The following is an entry in ClinVar:

ClinVar aggregate classification (germline): Likely benign. Review status: criteria provided, multiple submitters, no conflicts (2 of 4 stars). 6 submissions from 6 submitters: Likely benign (6). Last evaluated 2026-01-26.

Conditions:
Immunodeficiency 14 (IMD14A). Also called: IMMUNODEFICIENCY 14A WITH LYMPHOPROLIFERATION, AUTOSOMAL DOMINANT; ACTIVATED PI3K-DELTA SYNDROME 1; Activated PI3K Delta Syndrome Type 1 (APDS1); p110-DELTA-ACTIVATING MUTATION CAUSING SENESCENT T CELLS, LYMPHADENOPATHY, AND IMMUNODEFICIENCY. Identifiers: Orphanet 397596, Orphanet 693661, MedGen C5907821, MONDO:0014222, OMIM 615513.

Allele frequency attached by ClinVar (database versions not stated): 1000 Genomes Project 30x 0.00016; ExAC 0.00017; 1000 Genomes Project 0.00020; gnomAD exomes 0.00020 and 0.00035; gnomAD 0.00024 and 0.00026; TOPMed 0.00025; ESP Exome Variant Server 0.00046.
gnomAD v4.1: 536 of 1,613,936 alleles (0.033%); highest among the groups gnomAD compares: Non-Finnish European, 0.043%; no homozygotes.

Submissions (6):

Labcorp Genetics (formerly Invitae), Labcorp
Classification: Likely benign for Activated PI3K-delta syndrome. Last evaluated: 2026-01-26. Review status: criteria provided, single submitter. Criteria: Invitae Variant Classification Sherloc (09022015). Collection method: clinical testing. Allele origin: germline.

Mayo Clinic Laboratories, Mayo Clinic
Classification: Likely benign. Last evaluated: 2025-09-01. Review status: criteria provided, single submitter. Criteria: ACMG Guidelines, 2015. Collection method: clinical testing. Allele origin: germline. Observed: 1 variant allele.
Comment: BP4, BP7

Blueprint Genetics
Classification: Likely benign. Last evaluated: 2024-10-02. Review status: criteria provided, single submitter. Criteria: ACMG Guidelines, 2015. Collection method: clinical testing. Allele origin: germline.

Genetic Services Laboratory, University of Chicago
Classification: Likely benign. Last evaluated: 2021-06-21. Review status: criteria provided, single submitter. Criteria: ACMG Guidelines, 2015. Collection method: clinical testing. Allele origin: germline. Affected: no.

CeGaT Center for Human Genetics Tuebingen
Classification: Likely benign. Last evaluated: 2020-05-01. Review status: criteria provided, single submitter. Criteria: CeGaT Center For Human Genetics Tuebingen Variant Classification Criteria Version 2. Collection method: clinical testing. Allele origin: germline. Affected: yes. Observed: 4 variant alleles.

ARUP Laboratories, Molecular Genetics and Genomics, ARUP Laboratories
Classification: Likely benign for Immunodeficiency 14. Last evaluated: 2019-12-07. Review status: criteria provided, single submitter. Criteria: ARUP Molecular Germline Variant Investigation Process. Collection method: clinical testing. Allele origin: germline.

NM_005026.5(PIK3CD):c.3024G>A (p.Glu1008=)

Gene: PIK3CD (phosphatidylinositol-4,5-bisphosphate 3-kinase catalytic subunit delta; plus strand). Cytogenetic location: 1p36.22.
Variant type: single nucleotide variant.
Coding change: c.3024G>A on transcript NM_005026.5 (MANE Select); coding-DNA position 3024, G replaced by A.
Protein change: p.Glu1008=; no amino-acid change (glutamic acid 1008 retained).
Molecular consequence: synonymous variant.
Genome position (GRCh38, 1-based): chr1:9,726,935, G>A. VCF-style: chr1-9726935-G-A. GRCh37 (hg19) VCF-style: chr1-9786993-G-A.
Other names: p.Glu1008=; c.3021G>A, p.Glu1007= (NM_001350234.2); c.2937G>A, p.Glu979= (NM_001350235.1); c.3024G>A (LRG_191t1).
Identifiers: ClinVar variation 618792 (VCV000618792.63), dbSNP rs146664456, ClinGen allele CA577722.